The following is an entry in ClinVar:

NM_005689.4(ABCB6):c.1354C>T (p.Arg452Ter)

Gene: ABCB6 (ATP binding cassette subfamily B member 6 (LAN blood group); minus strand). Cytogenetic location: 2q35.
Variant type: single nucleotide variant.
Coding change: c.1354C>T on transcript NM_005689.4 (MANE Select); coding-DNA position 1354, C replaced by T.
Protein change: p.Arg452Ter; replaces arginine 452 with a stop codon.
Molecular consequence: nonsense.
Genome position (GRCh38, 1-based): chr2:219,214,421, G>A on the plus strand (C>T on the coding strand, the complement: ABCB6 is on the minus strand). VCF-style: chr2-219214421-G-A. GRCh37 (hg19) VCF-style: chr2-220079143-G-A.
Other names: p.Arg452*; c.1216C>T, p.Arg406Ter (NM_001349828.2); c.1354C>T (NM_005689.2); short protein forms R406*, R452*.
Identifiers: ClinVar variation 4540806 (VCV004540806.2).

ClinVar aggregate classification (germline): Conflicting classifications of pathogenicity. Review status: criteria provided, conflicting classifications (1 of 4 stars). 2 submissions from 2 submitters: Likely pathogenic (1); Uncertain significance (1). Last evaluated 2025-06-06.

Conditions:
ABCB6-related disorder. Also called: ABCB6-related condition.

gnomAD v4.1: 20 of 1,613,968 alleles (0.0012%); highest among the groups gnomAD compares: East Asian, 0.0022%; no homozygotes.

Submissions (2):

PreventionGenetics, part of Exact Sciences
Classification: Likely pathogenic for ABCB6-related condition. Last evaluated: 2025-06-06. Review status: criteria provided, single submitter. Criteria: ACMG Guidelines, 2015. Collection method: clinical testing. Allele origin: germline.
Comment: The ABCB6 c.1354C>T variant is predicted to result in premature protein termination (p.Arg452*). To our knowledge, this variant has not been reported in the literature. This variant is reported in 0.0062% of alleles in individuals of African descent in gnomAD. Nonsense variants in ABCB6 are expected to be pathogenic. This variant is interpreted as likely pathogenic.

Mayo Clinic Laboratories, Mayo Clinic
Classification: Uncertain significance. Last evaluated: 2025-04-08. Review status: criteria provided, single submitter. Criteria: ACMG Guidelines, 2015. Collection method: clinical testing. Allele origin: germline. Observed: 2 variant alleles.
Comment: PM2_supporting, PVS1_moderate